The following is an entry in ClinVar:

ClinVar aggregate classification (germline): Conflicting classifications of pathogenicity. Review status: criteria provided, conflicting classifications (1 of 4 stars). 3 submissions from 3 submitters: Uncertain significance (1); Likely benign (1). 1 of the submissions does not count toward it. Last evaluated 2025-12-27.

Conditions:
FBN3-related disorder. Also called: FBN3-related condition.

Allele frequency attached by ClinVar (database versions not stated): gnomAD exomes 0.00012 and 0.00041; ExAC 0.00045; ESP Exome Variant Server 0.00115; gnomAD 0.00137 and 0.00141; TOPMed 0.00150; 1000 Genomes Project 30x 0.00219; 1000 Genomes Project 0.00240.
gnomAD v4.1: 391 of 1,604,938 alleles (0.024%); highest among the groups gnomAD compares: African/African-American, 0.46%; no homozygotes.

Submissions (3):

Labcorp Genetics (formerly Invitae), Labcorp
Classification: Likely benign. Last evaluated: 2025-12-27. Review status: criteria provided, single submitter. Criteria: Invitae Variant Classification Sherloc (09022015). Collection method: clinical testing. Allele origin: germline.

Ambry Genetics
Classification: Uncertain significance. Last evaluated: 2025-08-13. Review status: criteria provided, single submitter. Criteria: Ambry Variant Classification Scheme 2023. Collection method: clinical testing. Allele origin: germline.

PreventionGenetics, part of Exact Sciences
Classification: Likely benign for FBN3-related condition. Last evaluated: 2019-06-06. Review status: no assertion criteria provided. Collection method: clinical testing. Allele origin: germline. Not counted in ClinVar's aggregate classification.
Comment: This variant is classified as likely benign based on ACMG/AMP sequence variant interpretation guidelines (Richards et al. 2015 PMID: 25741868, with internal and published modifications).

NM_032447.5(FBN3):c.1379A>G (p.His460Arg)

Gene: FBN3 (fibrillin 3; minus strand). Cytogenetic location: 19p13.2.
Variant type: single nucleotide variant.
Coding change: c.1379A>G on transcript NM_032447.5 (MANE Select); coding-DNA position 1379, A replaced by G.
Protein change: p.His460Arg; replaces histidine 460 with arginine.
Molecular consequence: missense variant.
Genome position (GRCh38, 1-based): chr19:8,136,276, T>C on the plus strand (A>G on the coding strand, the complement: FBN3 is on the minus strand). VCF-style: chr19-8136276-T-C. GRCh37 (hg19) VCF-style: chr19-8201160-T-C.
Other names: c.1379A>G (NM_032447.3, NM_001321431.1); c.1379A>G, p.His460Arg (NM_001321431.2); short protein forms H460R.
Identifiers: ClinVar variation 1596676 (VCV001596676.11), dbSNP rs147206351, ClinGen allele CA9153351.
Genomic context (GRCh38, chr19:8,136,276, plus strand): 5'-GCCTGGAAGCCCGGGTAGCACCGGCAGTGGTAGGTGCCGGGGATGTTGACGCAGTCACCG[T>C]GGTGGCAGGGGCTGCTGGTGCATTCGTCTACATCTGAGGGGAGAGGACCCTGAGCCCTAG-3'
Protein context (NP_115823.3, residues 450-470): VDECTSSPCH[His460Arg]GDCVNIPGTY